The following is an entry in ClinVar:

NM_032656.4(DHX37):c.599C>T (p.Pro200Leu)

Gene: DHX37 (DEAH-box helicase 37; minus strand). Cytogenetic location: 12q24.31.
Variant type: single nucleotide variant.
Coding change: c.599C>T on transcript NM_032656.4 (MANE Select); coding-DNA position 599, C replaced by T.
Protein change: p.Pro200Leu; replaces proline 200 with leucine.
Molecular consequence: missense variant.
Genome position (GRCh38, 1-based): chr12:124,980,629, G>A on the plus strand (C>T on the coding strand, the complement: DHX37 is on the minus strand). VCF-style: chr12-124980629-G-A. GRCh37 (hg19) VCF-style: chr12-125465175-G-A.
Other names: short protein forms P200L.
Identifiers: ClinVar variation 4754281 (VCV004754281.1).

ClinVar aggregate classification (germline): Uncertain significance (1 of 4 stars; one submission).

gnomAD v4.1: 50 of 1,608,058 alleles (0.0031%); highest among the groups gnomAD compares: African/African-American, 0.0067%; no homozygotes.

Submission:

Labcorp Genetics (formerly Invitae), Labcorp
Classification: Uncertain significance. Last evaluated: 2025-02-13. Review status: criteria provided, single submitter. Criteria: Invitae Variant Classification Sherloc (09022015). Collection method: clinical testing. Allele origin: germline.
Comment: This sequence change replaces proline, which is neutral and non-polar, with leucine, which is neutral and non-polar, at codon 200 of the DHX37 protein (p.Pro200Leu). This variant is present in population databases (rs569712705, gnomAD 0.01%). This variant has not been reported in the literature in individuals affected with DHX37-related conditions. An algorithm developed to predict the effect of missense changes on protein structure and function outputs the following: PolyPhen-2: "Benign". The leucine amino acid residue is found in multiple mammalian species, which suggests that this missense change does not adversely affect protein function. In summary, the available evidence is currently insufficient to determine the role of this variant in disease. Therefore, it has been classified as a Variant of Uncertain Significance.